The following is an entry in ClinVar:

NM_015041.3(CLUAP1):c.386A>G (p.Asp129Gly)

Gene: CLUAP1 (clusterin associated protein 1; plus strand). Cytogenetic location: 16p13.3.
Variant type: single nucleotide variant.
Coding change: c.386A>G on transcript NM_015041.3 (MANE Select); coding-DNA position 386, A replaced by G.
Protein change: p.Asp129Gly; replaces aspartic acid 129 with glycine.
Molecular consequence: missense variant.
Genome position (GRCh38, 1-based): chr16:3,508,455, A>G. VCF-style: chr16-3508455-A-G. GRCh37 (hg19) VCF-style: chr16-3558455-A-G.
Other names: c.386A>G, p.Asp129Gly (NM_001330454.2); short protein forms D129G.
Identifiers: ClinVar variation 1473353 (VCV001473353.6), dbSNP rs1274546599, ClinGen allele CA394512483.
Genomic context (GRCh38, chr16:3,508,455, plus strand): 5'-AGACCAAGGGGATGGAGGGCTCTGAAATAGTAGAGGAAGATGTCAACAAGTTCAAGTTTG[A>G]TCTTGGCTCAAAGGTAAGGACAACAAAAGCCTTGTAGTGGGCGATGGAGCGTTGATTTCT-3'
Protein context (NP_055856.1, residues 119-139): VEEDVNKFKF[Asp129Gly]LGSKIADLKA

ClinVar aggregate classification (germline): Uncertain significance (1 of 4 stars; one submission).

Allele frequency attached by ClinVar (database versions not stated): gnomAD 0.00001; TOPMed 0.00001.

Submission:

Labcorp Genetics (formerly Invitae), Labcorp
Classification: Uncertain significance. Last evaluated: 2025-09-08. Review status: criteria provided, single submitter. Criteria: Invitae Variant Classification Sherloc (09022015). Collection method: clinical testing. Allele origin: germline.
Comment: This sequence change replaces aspartic acid, which is acidic and polar, with glycine, which is neutral and non-polar, at codon 129 of the CLUAP1 protein (p.Asp129Gly). This variant is not present in population databases (gnomAD no frequency). This variant has not been reported in the literature in individuals affected with CLUAP1-related conditions. ClinVar contains an entry for this variant (Variation ID: 1473353). Invitae Evidence Modeling of protein sequence and biophysical properties (such as structural, functional, and spatial information, amino acid conservation, physicochemical variation, residue mobility, and thermodynamic stability) indicates that this missense variant is not expected to disrupt CLUAP1 protein function with a negative predictive value of 80%. In summary, the available evidence is currently insufficient to determine the role of this variant in disease. Therefore, it has been classified as a Variant of Uncertain Significance.